The following is an entry in ClinVar:

NM_001083614.2(EARS2):c.927C>A (p.Asp309Glu)

Gene: EARS2 (glutamyl-tRNA synthetase 2, mitochondrial; minus strand). Cytogenetic location: 16p12.2.
Variant type: single nucleotide variant.
Coding change: c.927C>A on transcript NM_001083614.2 (MANE Select); coding-DNA position 927, C replaced by A.
Protein change: p.Asp309Glu; replaces aspartic acid 309 with glutamic acid.
Molecular consequence: missense variant. On other transcripts: non-coding transcript variant (1).
Genome position (GRCh38, 1-based): chr16:23,534,919, G>T on the plus strand (C>A on the coding strand, the complement: EARS2 is on the minus strand). VCF-style: chr16-23534919-G-T. GRCh37 (hg19) VCF-style: chr16-23546240-G-T.
Other names: c.927C>A, p.Asp309Glu (NM_001308211.1); short protein forms D309E.
Identifiers: ClinVar variation 4709601 (VCV004709601.1).
Genomic context (GRCh38, chr16:23,534,919, plus strand): 5'-CTGCCAGGACTATTCAGGTGGGCACGTACCTGCAAAACCTGAGCCACAGTTGGTGATGAT[G>T]TCCAACAAGGAATCGGGCAGGAAGCCATCAGCAGCAAAGTGCTCCAGGAAAACGTCCCCT-3'
Protein context (NP_001077083.1, residues 299-319): ADGFLPDSLL[Asp309Glu]IITNCGSGFA

ClinVar aggregate classification (germline): Uncertain significance (1 of 4 stars; one submission).

Submission:

Labcorp Genetics (formerly Invitae), Labcorp
Classification: Uncertain significance. Last evaluated: 2025-04-22. Review status: criteria provided, single submitter. Criteria: Invitae Variant Classification Sherloc (09022015). Collection method: clinical testing. Allele origin: germline.
Comment: This sequence change replaces aspartic acid, which is acidic and polar, with glutamic acid, which is acidic and polar, at codon 309 of the EARS2 protein (p.Asp309Glu). This variant is not present in population databases (gnomAD no frequency). This variant has not been reported in the literature in individuals affected with EARS2-related conditions. Invitae Evidence Modeling of protein sequence and biophysical properties (such as structural, functional, and spatial information, amino acid conservation, physicochemical variation, residue mobility, and thermodynamic stability) indicates that this missense variant is expected to disrupt EARS2 protein function with a positive predictive value of 95%. In summary, the available evidence is currently insufficient to determine the role of this variant in disease. Therefore, it has been classified as a Variant of Uncertain Significance.